The following is an entry in ClinVar:

NM_206933.4(USH2A):c.3301G>T (p.Asp1101Tyr)

Genes: USH2A (usherin; minus strand), USH2A-AS1 (USH2A antisense RNA 1; plus strand). Cytogenetic location: 1q41.
Variant type: single nucleotide variant.
Coding change: c.3301G>T on transcript NM_206933.4 (MANE Select); coding-DNA position 3301, G replaced by T.
Protein change: p.Asp1101Tyr; replaces aspartic acid 1101 with tyrosine.
Molecular consequence: missense variant.
Genome position (GRCh38, 1-based): chr1:216,207,288, C>A on the plus strand (G>T on the coding strand, the complement: USH2A is on the minus strand). VCF-style: chr1-216207288-C-A. GRCh37 (hg19) VCF-style: chr1-216380630-C-A.
Other names: c.3301G>T, p.Asp1101Tyr (NM_007123.6); short protein forms D1101Y.
Identifiers: ClinVar variation 1524532 (VCV001524532.6), dbSNP rs993134836, ClinGen allele CA344862338.
Genomic context (GRCh38, chr1:216,207,288, plus strand): 5'-CAATTCTCAGAATATTTATTTCTATTACCAAACCCTTAAACTCACTGTATGGGTATTGAT[C>A]CTCTGTTGTGTAGATTTCAAAACCATCCCTGAGTAAACTGTAAGTAAGCCAGTGGGCATT-3'
Protein context (NP_996816.3, residues 1091-1111): RDGFEIYTTE[Asp1101Tyr]QYPYSIQYFL

ClinVar aggregate classification (germline): Conflicting classifications of pathogenicity. Review status: criteria provided, conflicting classifications (1 of 4 stars). 2 submissions from 2 submitters: Likely pathogenic (1); Uncertain significance (1). Last evaluated 2022-11-11.

Conditions:
USH2A-related disorder. Also called: USH2A-related condition; USH2A-related disorders. Identifiers: MedGen CN239332.

Allele frequency attached by ClinVar (database versions not stated): gnomAD exomes below 0.00001.
gnomAD v4.1: 1 of 1,613,940 alleles (0.000062%); highest among the groups gnomAD compares: Non-Finnish European, 0.000085%; no homozygotes.

Submissions (2):

Blueprint Genetics
Classification: Likely pathogenic for USH2A-related disorders. Last evaluated: 2022-11-11. Review status: criteria provided, single submitter. Criteria: ACMG Guidelines, 2015. Collection method: clinical testing. Allele origin: germline. Affected: yes. Observed: 4 variant alleles.

Labcorp Genetics (formerly Invitae), Labcorp
Classification: Uncertain significance. Last evaluated: 2021-08-31. Review status: criteria provided, single submitter. Criteria: Invitae Variant Classification Sherloc (09022015). Collection method: clinical testing. Allele origin: germline.
Comment: This sequence change replaces aspartic acid with tyrosine at codon 1101 of the USH2A protein (p.Asp1101Tyr). The aspartic acid residue is highly conserved and there is a large physicochemical difference between aspartic acid and tyrosine. This variant is not present in population databases (ExAC no frequency). This missense change has been observed in individual(s) with retinal dystrophy (Invitae). Algorithms developed to predict the effect of missense changes on protein structure and function are either unavailable or do not agree on the potential impact of this missense change (SIFT: "Deleterious"; PolyPhen-2: "Probably Damaging"; Align-GVGD: "Class C15"). In summary, the available evidence is currently insufficient to determine the role of this variant in disease. Therefore, it has been classified as a Variant of Uncertain Significance.